The following is an entry in ClinVar:

ClinVar aggregate classification (germline): Uncertain significance. Review status: criteria provided, multiple submitters, no conflicts (2 of 4 stars). 2 submissions from 2 submitters: Uncertain significance (2). Last evaluated 2023-02-22.

Conditions:
Developmental and epileptic encephalopathy, 23 (DEE23). Also called: Epileptic encephalopathy, early infantile, 23. Identifiers: Orphanet 411986, MedGen C4014492, MONDO:0014371, OMIM 615859.

Allele frequency attached by ClinVar (database versions not stated): gnomAD 0.00002; gnomAD exomes 0.00003; ExAC 0.00008; 1000 Genomes Project 30x 0.00016; 1000 Genomes Project 0.00020.
gnomAD v4.1: 42 of 1,597,248 alleles (0.0026%); highest among the groups gnomAD compares: South Asian, 0.04%; no homozygotes.

Submissions (2):

Revvity Omics, Revvity
Classification: Uncertain significance for Developmental and epileptic encephalopathy, 23. Last evaluated: 2023-02-22. Review status: criteria provided, single submitter. Criteria: ACMG Guidelines, 2015. Collection method: clinical testing. Allele origin: germline.

Labcorp Genetics (formerly Invitae), Labcorp
Classification: Uncertain significance for Developmental and epileptic encephalopathy, 23. Last evaluated: 2022-09-13. Review status: criteria provided, single submitter. Criteria: Invitae Variant Classification Sherloc (09022015). Collection method: clinical testing. Allele origin: germline.
Comment: This sequence change replaces isoleucine, which is neutral and non-polar, with valine, which is neutral and non-polar, at codon 117 of the DOCK7 protein (p.Ile117Val). This variant is present in population databases (rs551984218, gnomAD 0.04%). This variant has not been reported in the literature in individuals affected with DOCK7-related conditions. Algorithms developed to predict the effect of missense changes on protein structure and function output the following: SIFT: "Tolerated"; PolyPhen-2: "Benign"; Align-GVGD: "Class C0". The valine amino acid residue is found in multiple mammalian species, which suggests that this missense change does not adversely affect protein function. Algorithms developed to predict the effect of sequence changes on RNA splicing suggest that this variant may create or strengthen a splice site. In summary, the available evidence is currently insufficient to determine the role of this variant in disease. Therefore, it has been classified as a Variant of Uncertain Significance.

NM_001367561.1(DOCK7):c.349A>G (p.Ile117Val)

Gene: DOCK7 (dedicator of cytokinesis 7; minus strand). Cytogenetic location: 1p31.3.
Variant type: single nucleotide variant.
Coding change: c.349A>G on transcript NM_001367561.1 (MANE Select); coding-DNA position 349, A replaced by G.
Protein change: p.Ile117Val; replaces isoleucine 117 with valine.
Molecular consequence: missense variant.
Genome position (GRCh38, 1-based): chr1:62,653,765, T>C on the plus strand (A>G on the coding strand, the complement: DOCK7 is on the minus strand). VCF-style: chr1-62653765-T-C. GRCh37 (hg19) VCF-style: chr1-63119436-T-C.
Other names: c.349A>G (NM_001271999.1); c.349A>G, p.Ile117Val (NM_001271999.2, NM_001272000.2, NM_001272001.2 and 3 more transcripts); short protein forms I117V.
Identifiers: ClinVar variation 2165532 (VCV002165532.3), dbSNP rs551984218, ClinGen allele CA887206.